The following is an entry in ClinVar:

ClinVar aggregate classification (germline): Uncertain significance (1 of 4 stars; one submission).

Submission:

Labcorp Genetics (formerly Invitae), Labcorp
Classification: Uncertain significance. Last evaluated: 2022-10-25. Review status: criteria provided, single submitter. Criteria: Invitae Variant Classification Sherloc (09022015). Collection method: clinical testing. Allele origin: germline.
Comment: This sequence change replaces valine, which is neutral and non-polar, with leucine, which is neutral and non-polar, at codon 391 of the UBE3B protein (p.Val391Leu). In summary, the available evidence is currently insufficient to determine the role of this variant in disease. Therefore, it has been classified as a Variant of Uncertain Significance. Advanced modeling of protein sequence and biophysical properties (such as structural, functional, and spatial information, amino acid conservation, physicochemical variation, residue mobility, and thermodynamic stability) performed at Invitae indicates that this missense variant is not expected to disrupt UBE3B protein function. This variant has not been reported in the literature in individuals affected with UBE3B-related conditions. This variant is not present in population databases (gnomAD no frequency).

NM_130466.4(UBE3B):c.1171G>C (p.Val391Leu)

Gene: UBE3B (ubiquitin protein ligase E3B; plus strand). Cytogenetic location: 12q24.11.
Variant type: single nucleotide variant.
Coding change: c.1171G>C on transcript NM_130466.4 (MANE Select); coding-DNA position 1171, G replaced by C.
Protein change: p.Val391Leu; replaces valine 391 with leucine.
Molecular consequence: missense variant.
Genome position (GRCh38, 1-based): chr12:109,501,423, G>C. VCF-style: chr12-109501423-G-C. GRCh37 (hg19) VCF-style: chr12-109939228-G-C.
Other names: c.1171G>C, p.Val391Leu (NM_183415.3); short protein forms V391L.
Identifiers: ClinVar variation 2025996 (VCV002025996.4), dbSNP rs951818233, ClinGen allele CA386635082.
Genomic context (GRCh38, chr12:109,501,423, plus strand): 5'-TCTCCTAGCCTTAACGAGTCAATGCACTTGATCACCAAACAGCTGCAGTTCTTGTGGGGG[G>C]TGCCTCTGATCCGGATCTTCTTCTGTGACATCCTGAGCAAGAAGCTACTGGAGAGCCAGG-3'
Protein context (NP_569733.2, residues 381-401): ITKQLQFLWG[Val391Leu]PLIRIFFCDI